The following is an entry in ClinVar:

NM_000307.5(POU3F4):c.72C>T (p.Gly24=)

Gene: POU3F4 (POU class 3 homeobox 4; plus strand). Cytogenetic location: Xq21.1.
Variant type: single nucleotide variant.
Coding change: c.72C>T on transcript NM_000307.5 (MANE Select); coding-DNA position 72, C replaced by T.
Protein change: p.Gly24=; no amino-acid change (glycine 24 retained).
Molecular consequence: synonymous variant.
Genome position (GRCh38, 1-based): chrX:83,508,396, C>T. VCF-style: chrX-83508396-C-T. GRCh37 (hg19) VCF-style: chrX-82763404-C-T.
Identifiers: ClinVar variation 4803607 (VCV004803607.1).

ClinVar aggregate classification (germline): Uncertain significance (1 of 4 stars; one submission).

Submission:

Labcorp Genetics (formerly Invitae), Labcorp
Classification: Uncertain significance. Last evaluated: 2025-07-01. Review status: criteria provided, single submitter. Criteria: Invitae Variant Classification Sherloc (09022015). Collection method: clinical testing. Allele origin: germline.
Comment: This sequence change affects codon 24 of the POU3F4 mRNA. It is a 'silent' change, meaning that it does not change the encoded amino acid sequence of the POU3F4 protein. This variant is not present in population databases (gnomAD no frequency). This variant has not been reported in the literature in individuals affected with POU3F4-related conditions. In summary, the available evidence is currently insufficient to determine the role of this variant in disease. Therefore, it has been classified as a Variant of Uncertain Significance.